The following is an entry in ClinVar:

ClinVar aggregate classification (germline): Uncertain significance. Review status: criteria provided, multiple submitters, no conflicts (2 of 4 stars). 2 submissions from 2 submitters: Uncertain significance (2). Last evaluated 2025-09-04.

Conditions:
Neuropathy, hereditary sensory and autonomic, type 2A (HSAN2A). Also called: ACROOSTEOLYSIS, GIACCAI TYPE; ACROOSTEOLYSIS, NEUROGENIC; MORVAN DISEASE; NEUROPATHY, CONGENITAL SENSORY; NEUROPATHY, HEREDITARY SENSORY RADICULAR, AUTOSOMAL RECESSIVE; NEUROPATHY, HEREDITARY SENSORY, TYPE IIA. Identifiers: Orphanet 970, MedGen C2752089, MONDO:0024309, OMIM 201300.
Pseudohypoaldosteronism type 2C (PHA2C). Also called: Pseudohypoaldosteronism Type IIC. Identifiers: Orphanet 757, Orphanet 88940, MedGen C1840391, MONDO:0013778, OMIM 614492.

Allele frequency attached by ClinVar (database versions not stated): gnomAD exomes 0.00001 and 0.00004; ExAC 0.00005; gnomAD 0.00013 and 0.00015; TOPMed 0.00014; ESP Exome Variant Server 0.00015; 1000 Genomes Project 30x 0.00016; 1000 Genomes Project 0.00020.
gnomAD v4.1: 36 of 1,614,120 alleles (0.0022%); highest among the groups gnomAD compares: African/African-American, 0.041%; no homozygotes.

Submissions (2):

Labcorp Genetics (formerly Invitae), Labcorp
Classification: Uncertain significance for Neuropathy, hereditary sensory and autonomic, type 2A; Pseudohypoaldosteronism type 2C. Last evaluated: 2025-09-04. Review status: criteria provided, single submitter. Criteria: Invitae Variant Classification Sherloc (09022015). Collection method: clinical testing. Allele origin: germline.
Comment: This sequence change replaces leucine, which is neutral and non-polar, with valine, which is neutral and non-polar, at codon 1422 of the WNK1 protein (p.Leu1422Val). This variant is present in population databases (rs142181848, gnomAD 0.05%). This variant has not been reported in the literature in individuals affected with WNK1-related conditions. ClinVar contains an entry for this variant (Variation ID: 1434986). Invitae Evidence Modeling of protein sequence and biophysical properties (such as structural, functional, and spatial information, amino acid conservation, physicochemical variation, residue mobility, and thermodynamic stability) indicates that this missense variant is not expected to disrupt WNK1 protein function with a negative predictive value of 95%. In summary, the available evidence is currently insufficient to determine the role of this variant in disease. Therefore, it has been classified as a Variant of Uncertain Significance.

Fulgent Genetics
Classification: Uncertain significance for Neuropathy, hereditary sensory and autonomic, type 2A; Pseudohypoaldosteronism type 2C. Last evaluated: 2024-06-13. Review status: criteria provided, single submitter. Criteria: ACMG Guidelines, 2015. Collection method: clinical testing. Allele origin: germline.

NM_018979.4(WNK1):c.3508C>G (p.Leu1170Val)

Gene: WNK1 (WNK lysine deficient protein kinase 1; plus strand). Cytogenetic location: 12p13.33.
Variant type: single nucleotide variant.
Coding change: c.3508C>G on transcript NM_018979.4 (MANE Select); coding-DNA position 3508, C replaced by G.
Protein change: p.Leu1170Val; replaces leucine 1170 with valine.
Molecular consequence: missense variant.
Genome position (GRCh38, 1-based): chr12:883,413, C>G. VCF-style: chr12-883413-C-G. GRCh37 (hg19) VCF-style: chr12-992579-C-G.
Other names: c.4288C>G, p.Leu1430Val (NM_001184985.2); c.2767C>G, p.Leu923Val (NM_014823.3); c.4264C>G, p.Leu1422Val (NM_213655.5); short protein forms L1170V, L1422V, L1430V, L923V.
Identifiers: ClinVar variation 1434986 (VCV001434986.10), dbSNP rs142181848, ClinGen allele CA6382794.